The following is an entry in ClinVar:

NM_001128840.3(CACNA1D):c.4184C>T (p.Ala1395Val)

Gene: CACNA1D (calcium voltage-gated channel subunit alpha1 D; plus strand). Cytogenetic location: 3p21.1.
Variant type: single nucleotide variant.
Coding change: c.4184C>T on transcript NM_001128840.3 (MANE Select); coding-DNA position 4184, C replaced by T.
Protein change: p.Ala1395Val; replaces alanine 1395 with valine.
Molecular consequence: missense variant.
Genome position (GRCh38, 1-based): chr3:53,774,660, C>T. VCF-style: chr3-53774660-C-T. GRCh37 (hg19) VCF-style: chr3-53808687-C-T.
Other names: c.4244C>T, p.Ala1415Val (NM_000720.4); c.4139C>T, p.Ala1380Val (NM_001128839.3); short protein forms A1380V, A1415V, A1395V.
Identifiers: ClinVar variation 1466814 (VCV001466814.6), dbSNP rs2109026824, ClinGen allele CA353241390.

ClinVar aggregate classification (germline): Uncertain significance (1 of 4 stars; one submission).

Allele frequency attached by ClinVar (database versions not stated): gnomAD exomes below 0.00001.
gnomAD v4.1: 2 of 1,610,628 alleles (0.00012%); highest among the groups gnomAD compares: Non-Finnish European, 0.000085%; no homozygotes.

Submission:

Labcorp Genetics (formerly Invitae), Labcorp
Classification: Uncertain significance. Last evaluated: 2021-11-24. Review status: criteria provided, single submitter. Criteria: Invitae Variant Classification Sherloc (09022015). Collection method: clinical testing. Allele origin: germline.
Comment: This sequence change replaces alanine, which is neutral and non-polar, with valine, which is neutral and non-polar, at codon 1415 of the CACNA1D protein (p.Ala1415Val). This variant is not present in population databases (gnomAD no frequency). This variant has not been reported in the literature in individuals affected with CACNA1D-related conditions. Algorithms developed to predict the effect of missense changes on protein structure and function are either unavailable or do not agree on the potential impact of this missense change (SIFT: "Deleterious"; PolyPhen-2: "Possibly Damaging"; Align-GVGD: "Class C0"). Algorithms developed to predict the effect of sequence changes on RNA splicing suggest that this variant may create or strengthen a splice site. In summary, the available evidence is currently insufficient to determine the role of this variant in disease. Therefore, it has been classified as a Variant of Uncertain Significance.